The following is an entry in ClinVar:

NM_000091.5(COL4A3):c.3026G>C (p.Gly1009Ala)

Genes: MFF-DT (MFF divergent transcript; minus strand), COL4A3 (collagen type IV alpha 3 chain; plus strand). Cytogenetic location: 2q36.3.
Variant type: single nucleotide variant.
Coding change: c.3026G>C on transcript NM_000091.5 (MANE Select); coding-DNA position 3026, G replaced by C.
Protein change: p.Gly1009Ala; replaces glycine 1009 with alanine.
Molecular consequence: missense variant.
Genome position (GRCh38, 1-based): chr2:227,290,044, G>C. VCF-style: chr2-227290044-G-C. GRCh37 (hg19) VCF-style: chr2-228154760-G-C.
Other names: short protein forms G1009A.
Identifiers: ClinVar variation 1390880 (VCV001390880.7), dbSNP rs1204230457, ClinGen allele CA350855058.
Genomic context (GRCh38, chr2:227,290,044, plus strand): 5'-TTATTTGTTCTCAAGGCCCCAGAGGAGATTTGGGCAGCACTGGGAATCCTGGAGAACCAG[G>C]ACTGCGTGGTATACCAGGAAGCATGGGGAACATGGGCATGCCAGGTAATGCATAAGGTCC-3'
Protein context (NP_000082.2, residues 999-1019): LGSTGNPGEP[Gly1009Ala]LRGIPGSMGN

ClinVar aggregate classification (germline): Conflicting classifications of pathogenicity. Review status: criteria provided, conflicting classifications (1 of 4 stars). 2 submissions from 2 submitters: Likely pathogenic (1); Uncertain significance (1). Last evaluated 2024-01-09.

Conditions:
Hematuria, benign familial, 2 (BFH2). Identifiers: MedGen C5830421, MONDO:0958186, OMIM 620320.
Autosomal dominant Alport syndrome (ATS3A). Also called: Alport syndrome dominant type; Renal failure and sensorineural hearing loss; ALPORT SYNDROME 3A, AUTOSOMAL DOMINANT. Identifiers: Orphanet 63, Orphanet 88918, MedGen C5882663, MONDO:0007086, OMIM 104200.
Alport syndrome 3b, autosomal recessive. Identifiers: MedGen C5882699, MONDO:0957811, OMIM 620536.

Allele frequency attached by ClinVar (database versions not stated): gnomAD exomes below 0.00001; TOPMed below 0.00001.
gnomAD v4.1: 3 of 1,614,180 alleles (0.00019%); highest among the groups gnomAD compares: Non-Finnish European, 0.00025%; no homozygotes.

Submissions (2):

Fulgent Genetics
Classification: Likely pathogenic for Autosomal dominant Alport syndrome; Hematuria, benign familial, 2; Alport syndrome 3b, autosomal recessive. Last evaluated: 2024-01-09. Review status: criteria provided, single submitter. Criteria: ACMG Guidelines, 2015. Collection method: clinical testing. Allele origin: germline.

Labcorp Genetics (formerly Invitae), Labcorp
Classification: Uncertain significance. Last evaluated: 2021-05-27. Review status: criteria provided, single submitter. Criteria: Invitae Variant Classification Sherloc (09022015). Collection method: clinical testing. Allele origin: germline.
Comment: This variant has not been reported in the literature in individuals with COL4A3-related conditions. This variant is not present in population databases (ExAC no frequency). This sequence change replaces glycine with alanine at codon 1009 of the COL4A3 protein (p.Gly1009Ala). The glycine residue is highly conserved and there is a small physicochemical difference between glycine and alanine. Advanced modeling of protein sequence and biophysical properties (such as structural, functional, and spatial information, amino acid conservation, physicochemical variation, residue mobility, and thermodynamic stability) performed at Invitae indicates that this missense variant is expected to disrupt COL4A3 protein function. In summary, the available evidence is currently insufficient to determine the role of this variant in disease. Therefore, it has been classified as a Variant of Uncertain Significance.